The following is an entry in ClinVar:

ClinVar aggregate classification (germline): Uncertain significance. Review status: criteria provided, multiple submitters, no conflicts (2 of 4 stars). 3 submissions from 3 submitters: Uncertain significance (3). Last evaluated 2024-05-31.

Conditions:
Familial melanoma. Also called: Hereditary melanoma; Hereditary cutaneous melanoma. Identifiers: Orphanet 618, MedGen C1512419, MONDO:0018961.
Hereditary cancer-predisposing syndrome. Also called: Neoplastic Syndromes, Hereditary; Tumor predisposition; Hereditary Cancer Syndrome; Hereditary neoplastic syndrome. Identifiers: Orphanet 140162, MedGen C0027672, MeSH D009386, MONDO:0015356.

Allele frequency attached by ClinVar (database versions not stated): TOPMed 0.00001.

Submissions (3):

Labcorp Genetics (formerly Invitae), Labcorp
Classification: Uncertain significance for Familial melanoma. Last evaluated: 2024-05-31. Review status: criteria provided, single submitter. Criteria: Invitae Variant Classification Sherloc (09022015). Collection method: clinical testing. Allele origin: germline.
Comment: This sequence change replaces leucine, which is neutral and non-polar, with methionine, which is neutral and non-polar, at codon 130 of the CDKN2A (p16INK4a) protein (p.Leu130Met). This variant is not present in population databases (gnomAD no frequency). This variant has not been reported in the literature in individuals affected with CDKN2A (p16INK4a)-related conditions. ClinVar contains an entry for this variant (Variation ID: 406704). An algorithm developed to predict the effect of missense changes on protein structure and function (PolyPhen-2) suggests that this variant is likely to be disruptive. In summary, the available evidence is currently insufficient to determine the role of this variant in disease. Therefore, it has been classified as a Variant of Uncertain Significance.

Ambry Genetics
Classification: Uncertain significance for Hereditary cancer-predisposing syndrome. Last evaluated: 2023-10-25. Review status: criteria provided, single submitter. Criteria: Ambry Variant Classification Scheme 2023. Collection method: clinical testing. Allele origin: germline.
Comment: The p.L130M variant (also known as c.388C>A), located in coding exon 2 of the CDKN2A gene, results from a C to A substitution at nucleotide position 388. The leucine at codon 130 is replaced by methionine, an amino acid with highly similar properties. This amino acid position is highly conserved in available vertebrate species. In addition, the in silico prediction for this alteration is inconclusive. Since supporting evidence is limited at this time, the clinical significance of this alteration remains unclear.

Women's Health and Genetics/Laboratory Corporation of America, LabCorp
Classification: Uncertain significance. Last evaluated: 2019-09-06. Review status: criteria provided, single submitter. Criteria: LabCorp Variant Classification Summary - May 2015. Collection method: clinical testing. Allele origin: germline.
Comment: Variant summary: CDKN2A c.388C>A (p.Leu130Met) results in a conservative amino acid change located in the Ankyrin repeat-containing domain (IPR020683) of the encoded protein sequence. Four of five in-silico tools predict a damaging effect of the variant on protein function. The variant was absent in 245266 control chromosomes (gnomAD). The available data on variant occurrences in the general population are insufficient to allow any conclusion about variant significance. c.388C>A has been reported in the literature as a somatic mutation in an individual affected with oesophageal adenocarcinoma (Findlay_2016). However, this report does not provide unequivocal conclusions about association of the variant with Cutaneous Malignant Melanoma. To our knowledge, no experimental evidence demonstrating an impact on protein function has been reported. A ClinVar submission (evaluation after 2014) cites the variant as uncertain significance. Based on the evidence outlined above, the variant was classified as uncertain significance.

Literature cited by the submitters: PubMed 27045317 (cited by Women's Health and Genetics/Laboratory Corporation of America, LabCorp).

NM_000077.5(CDKN2A):c.388C>A (p.Leu130Met)

Gene: CDKN2A (cyclin dependent kinase inhibitor 2A; minus strand). Cytogenetic location: 9p21.3.
Variant type: single nucleotide variant.
Coding change: c.388C>A on transcript NM_000077.5; coding-DNA position 388, C replaced by A.
Protein change: p.Leu130Met; replaces leucine 130 with methionine.
Molecular consequence: missense variant (on NM_000077.6). On other transcripts: 3 prime UTR variant (2).
Genome position (GRCh38, 1-based): chr9:21,970,971, G>T on the plus strand (C>A on the coding strand, the complement: CDKN2A is on the minus strand). VCF-style: chr9-21970971-G-T. GRCh37 (hg19) VCF-style: chr9-21970970-G-T.
Other names: c.388C>A, p.Leu130Met (NM_000077.6, NM_001195132.2); c.235C>A, p.Leu79Met (NM_001363763.2); c.*32C>A (NM_058195.4); c.*311C>A (NM_058197.5); short protein forms L130M, L79M.
Identifiers: ClinVar variation 406704 (VCV000406704.14), dbSNP rs1060501261, ClinGen allele CA16612702.